The following is an entry in ClinVar:

ClinVar aggregate classification (germline): Uncertain significance (1 of 4 stars; one submission).

Allele frequency attached by ClinVar (database versions not stated): gnomAD exomes below 0.00001.
gnomAD v4.1: 2 of 1,614,184 alleles (0.00012%); highest among the groups gnomAD compares: South Asian, 0.0011%; no homozygotes.

Submission:

Labcorp Genetics (formerly Invitae), Labcorp
Classification: Uncertain significance. Last evaluated: 2023-12-11. Review status: criteria provided, single submitter. Criteria: Invitae Variant Classification Sherloc (09022015). Collection method: clinical testing. Allele origin: germline.
Comment: This sequence change replaces methionine, which is neutral and non-polar, with valine, which is neutral and non-polar, at codon 498 of the FOXP1 protein (p.Met498Val). This variant is present in population databases (no rsID available, gnomAD 0.003%). This variant has not been reported in the literature in individuals affected with FOXP1-related conditions. Advanced modeling of protein sequence and biophysical properties (such as structural, functional, and spatial information, amino acid conservation, physicochemical variation, residue mobility, and thermodynamic stability) performed at Invitae indicates that this missense variant is not expected to disrupt FOXP1 protein function with a negative predictive value of 80%. In summary, the available evidence is currently insufficient to determine the role of this variant in disease. Therefore, it has been classified as a Variant of Uncertain Significance.

NM_001349338.3(FOXP1):c.1492A>G (p.Met498Val)

Genes: FOXP1 (forkhead box P1; minus strand), LOC126806714 (BRD4-independent group 4 enhancer GRCh37_chr3:71025197-71026396; plus strand). Cytogenetic location: 3p13.
Variant type: single nucleotide variant.
Coding change: c.1492A>G on transcript NM_001349338.3 (MANE Select); coding-DNA position 1492, A replaced by G.
Protein change: p.Met498Val; replaces methionine 498 with valine.
Molecular consequence: missense variant. On other transcripts: non-coding transcript variant (2).
Genome position (GRCh38, 1-based): chr3:70,976,979, T>C on the plus strand (A>G on the coding strand, the complement: FOXP1 is on the minus strand). VCF-style: chr3-70976979-T-C. GRCh37 (hg19) VCF-style: chr3-71026130-T-C.
Other names: c.1492A>G, p.Met498Val (NM_032682.6, NM_001244810.2, NM_001244814.3 and 3 more transcripts); c.1489A>G, p.Met497Val (NM_001244808.3, NM_001349341.3); c.1264A>G, p.Met422Val (NM_001244812.3); c.1192A>G, p.Met398Val (NM_001244813.3, NM_001244815.2, NM_001349342.3); c.1189A>G, p.Met397Val (NM_001349337.2, NM_001349343.3, NM_001349344.3 and 1 more transcripts); short protein forms M397V, M497V, M498V, M398V, M422V.
Identifiers: ClinVar variation 2806877 (VCV002806877.3), dbSNP rs1397206286, ClinGen allele CA353492828.